The following is an entry in ClinVar:

ClinVar aggregate classification (germline): Conflicting classifications of pathogenicity. Review status: criteria provided, conflicting classifications (1 of 4 stars). 7 submissions from 7 submitters: Uncertain significance (4); Likely benign (1). 2 of the submissions do not count toward it. Last evaluated 2026-01-19.

Conditions:
Neuromuscular disease caused by qualitative or quantitative defects of dysferlin. Also called: Qualitative or quantitative defects of dysferlin; Dysferlinopathy. Identifiers: Orphanet 207073, MedGen C2931687, MONDO:0016145.
DYSF-related disorder. Also called: DYSF-related condition; DYSF-related disorders.
Autosomal recessive limb-girdle muscular dystrophy type 2B (LGMDR2). Also called: MUSCULAR DYSTROPHY, LIMB-GIRDLE, AUTOSOMAL RECESSIVE 2; Limb-Girdle Muscular Dystrophy Type 2B (LGMD2B); Limb-girdle muscular dystrophy, type 2B; MUSCULAR DYSTROPHY, LIMB-GIRDLE, TYPE 3. Identifiers: Orphanet 268, MedGen C1850889, MONDO:0009676, OMIM 253601.

Allele frequency attached by ClinVar (database versions not stated): gnomAD exomes 0.00005 and 0.00014; ExAC 0.00020; ESP Exome Variant Server 0.00054; gnomAD 0.00054 and 0.00055; TOPMed 0.00056; 1000 Genomes Project 0.00120; 1000 Genomes Project 30x 0.00172.
gnomAD v4.1: 150 of 1,614,016 alleles (0.0093%); highest among the groups gnomAD compares: African/African-American, 0.19%; no homozygotes.

Submissions (7):

Labcorp Genetics (formerly Invitae), Labcorp
Classification: Uncertain significance for Neuromuscular disease caused by qualitative or quantitative defects of dysferlin. Last evaluated: 2026-01-19. Review status: criteria provided, single submitter. Criteria: Invitae Variant Classification Sherloc (09022015). Collection method: clinical testing. Allele origin: germline.
Comment: This sequence change replaces valine, which is neutral and non-polar, with isoleucine, which is neutral and non-polar, at codon 1504 of the DYSF protein (p.Val1504Ile). This variant is present in population databases (rs143895253, gnomAD 0.2%). This variant has not been reported in the literature in individuals affected with DYSF-related conditions. ClinVar contains an entry for this variant (Variation ID: 471308). An algorithm developed to predict the effect of missense changes on protein structure and function (PolyPhen-2) suggests that this variant is likely to be disruptive. In summary, the available evidence is currently insufficient to determine the role of this variant in disease. Therefore, it has been classified as a Variant of Uncertain Significance.

Blueprint Genetics
Classification: Uncertain significance. Last evaluated: 2024-10-02. Review status: criteria provided, single submitter. Criteria: ACMG Guidelines, 2015. Collection method: clinical testing. Allele origin: germline.

Revvity Omics, Revvity
Classification: Uncertain significance. Last evaluated: 2023-05-29. Review status: criteria provided, single submitter. Criteria: ACMG Guidelines, 2015. Collection method: clinical testing. Allele origin: germline.

Mayo Clinic Laboratories, Mayo Clinic
Classification: Uncertain significance. Last evaluated: 2019-12-30. Review status: criteria provided, single submitter. Criteria: ACMG Guidelines, 2015. Collection method: clinical testing. Allele origin: germline. Observed: 2 variant alleles.

Eurofins Ntd Llc (ga)
Classification: Likely benign. Last evaluated: 2016-09-28. Review status: criteria provided, single submitter. Criteria: EGL Classification Definitions 2015. Collection method: clinical testing. Allele origin: germline. Observed: 1 variant allele, 1 heterozygote.

PreventionGenetics, part of Exact Sciences
Classification: Likely benign for DYSF-related condition. Last evaluated: 2023-06-13. Review status: no assertion criteria provided. Collection method: clinical testing. Allele origin: germline. Not counted in ClinVar's aggregate classification.
Comment: This variant is classified as likely benign based on ACMG/AMP sequence variant interpretation guidelines (Richards et al. 2015 PMID: 25741868, with internal and published modifications).

Natera, Inc.
Classification: Uncertain significance for Limb-girdle muscular dystrophy type 2B. Last evaluated: 2019-12-27. Review status: no assertion criteria provided. Collection method: clinical testing. Allele origin: germline. Not counted in ClinVar's aggregate classification.

NM_001130987.2(DYSF):c.4627G>A (p.Val1543Ile)

Gene: DYSF (dysferlin; plus strand). Cytogenetic location: 2p13.2.
Variant type: single nucleotide variant.
Coding change: c.4627G>A on transcript NM_001130987.2 (MANE Select); coding-DNA position 4627, G replaced by A.
Protein change: p.Val1543Ile; replaces valine 1543 with isoleucine.
Molecular consequence: missense variant.
Genome position (GRCh38, 1-based): chr2:71,656,162, G>A. VCF-style: chr2-71656162-G-A. GRCh37 (hg19) VCF-style: chr2-71883292-G-A.
Other names: c.4513G>A, p.Val1505Ile (NM_001130455.2); c.4468G>A, p.Val1490Ile (NM_001130976.2); c.4531G>A, p.Val1511Ile (NM_001130977.2); c.4573G>A, p.Val1525Ile (NM_001130978.2); c.4603G>A, p.Val1535Ile (NM_001130979.2); c.4561G>A, p.Val1521Ile (NM_001130980.2); c.4624G>A, p.Val1542Ile (NM_001130981.2); c.4606G>A, p.Val1536Ile (NM_001130982.2); and 5 more; short protein forms V1543I, V1504I, V1491I, V1511I, V1521I, V1522I, V1512I, V1535I.
Identifiers: ClinVar variation 471308 (VCV000471308.19), dbSNP rs143895253, ClinGen allele CA1707094.